The following is an entry in ClinVar:

NM_001278064.2(GRM1):c.*15C>T

Gene: GRM1 (glutamate metabotropic receptor 1; plus strand). Cytogenetic location: 6q24.3.
Variant type: single nucleotide variant.
Coding change: c.*15C>T on transcript NM_001278064.2 (MANE Select); 15 bases downstream of the stop codon, C replaced by T.
Molecular consequence: 3 prime UTR variant.
Genome position (GRCh38, 1-based): chr6:146,434,811, C>T. VCF-style: chr6-146434811-C-T. GRCh37 (hg19) VCF-style: chr6-146755947-C-T.
Other names: c.*964C>T (NM_001278065.2); c.*929C>T (NM_001278066.1); c.*838C>T (NM_001278067.1).
Identifiers: ClinVar variation 3383479 (VCV003383479.1).
Genomic context (GRCh38, chr6:146,434,811, plus strand): 5'-CTCTGTCATTCTGCGGGACTACAAGCAAAGCTCTTCCACCCTGTAAGGGGGAAGGGTCCA[C>T]ATAGAAAAGCAAGACAAGCCAGAGATCTCCCACACCTCCAGAGATGTGCAAACAGCTGGG-3'

ClinVar aggregate classification (germline): Likely benign (1 of 4 stars; one submission).

gnomAD v4.1: 3,392 of 1,586,246 alleles (0.21%); highest among the groups gnomAD compares: African/African-American, 1.8%; 24 homozygotes.

Submission:

GeneDx
Classification: Likely benign. Last evaluated: 2021-05-12. Review status: criteria provided, single submitter. Criteria: GeneDx Variant Classification Process June 2021. Collection method: clinical testing. Allele origin: germline. Affected: yes.
Comment: See Variant Classification Assertion Criteria.